The following is an entry in ClinVar:

ClinVar aggregate classification (germline): Uncertain significance (1 of 4 stars; one submission).

Conditions:
Perlman syndrome (PRLMNS). Identifiers: Orphanet 2849, MedGen C0796113, MONDO:0009965, OMIM 267000.

Allele frequency attached by ClinVar (database versions not stated): gnomAD 0.00001; gnomAD exomes 0.00001 and 0.00002; ExAC 0.00005.
gnomAD v4.1: 10 of 1,613,284 alleles (0.00062%); highest among the groups gnomAD compares: Non-Finnish European, 0.00085%; no homozygotes.

Submission:

Labcorp Genetics (formerly Invitae), Labcorp
Classification: Uncertain significance for Perlman syndrome. Last evaluated: 2023-10-14. Review status: criteria provided, single submitter. Criteria: Invitae Variant Classification Sherloc (09022015). Collection method: clinical testing. Allele origin: germline.
Comment: This sequence change replaces isoleucine, which is neutral and non-polar, with valine, which is neutral and non-polar, at codon 379 of the DIS3L2 protein (p.Ile379Val). This variant is present in population databases (rs775307020, gnomAD 0.006%). This variant has not been reported in the literature in individuals affected with DIS3L2-related conditions. ClinVar contains an entry for this variant (Variation ID: 567821). Advanced modeling of protein sequence and biophysical properties (such as structural, functional, and spatial information, amino acid conservation, physicochemical variation, residue mobility, and thermodynamic stability) performed at Invitae indicates that this missense variant is not expected to disrupt DIS3L2 protein function. In summary, the available evidence is currently insufficient to determine the role of this variant in disease. Therefore, it has been classified as a Variant of Uncertain Significance.

NM_152383.5(DIS3L2):c.1135A>G (p.Ile379Val)

Gene: DIS3L2 (DIS3 like 3'-5' exoribonuclease 2; plus strand). Cytogenetic location: 2q37.1.
Variant type: single nucleotide variant.
Coding change: c.1135A>G on transcript NM_152383.5 (MANE Select); coding-DNA position 1135, A replaced by G.
Protein change: p.Ile379Val; replaces isoleucine 379 with valine.
Molecular consequence: missense variant. On other transcripts: non-coding transcript variant (2).
Genome position (GRCh38, 1-based): chr2:232,210,336, A>G. VCF-style: chr2-232210336-A-G. GRCh37 (hg19) VCF-style: chr2-233075046-A-G.
Other names: c.1135A>G, p.Ile379Val (NM_001257281.2); short protein forms I379V.
Identifiers: ClinVar variation 567821 (VCV000567821.8), dbSNP rs775307020, ClinGen allele CA2164048.